The following is an entry in ClinVar:

ClinVar aggregate classification (germline): Uncertain significance (1 of 4 stars; one submission).

Submission:

GeneDx
Classification: Uncertain significance. Last evaluated: 2020-02-04. Review status: criteria provided, single submitter. Criteria: GeneDx Variant Classification Process June 2021. Collection method: clinical testing. Allele origin: germline. Affected: yes.
Comment: Not observed in large population cohorts (Lek et al., 2016); In silico analysis supports that this missense variant does not alter protein structure/function; Has not been previously published as pathogenic or benign to our knowledge

NM_001194998.2(CEP152):c.3028C>T (p.Leu1010Phe)

Gene: CEP152 (centrosomal protein 152; minus strand). Cytogenetic location: 15q21.1.
Variant type: single nucleotide variant.
Coding change: c.3028C>T on transcript NM_001194998.2 (MANE Select); coding-DNA position 3028, C replaced by T.
Protein change: p.Leu1010Phe; replaces leucine 1010 with phenylalanine.
Molecular consequence: missense variant.
Genome position (GRCh38, 1-based): chr15:48,756,220, G>A on the plus strand (C>T on the coding strand, the complement: CEP152 is on the minus strand). VCF-style: chr15-48756220-G-A. GRCh37 (hg19) VCF-style: chr15-49048417-G-A.
Other names: c.3028C>T, p.Leu1010Phe (NM_014985.4); short protein forms L1010F.
Identifiers: ClinVar variation 1315167 (VCV001315167.2), dbSNP rs2140668909, ClinGen allele CA392342872.